The following is an entry in ClinVar:

NM_001669.4(ARSD):c.1000+882A>G

Gene: ARSD (arylsulfatase D; minus strand). Cytogenetic location: Xp22.33.
Variant type: single nucleotide variant.
Coding change: c.1000+882A>G on transcript NM_001669.4 (MANE Select); 882 bases into the intron after coding-DNA position 1000, A replaced by G.
Molecular consequence: intron variant. On other transcripts: missense variant (1).
Genome position (GRCh38, 1-based): chrX:2,914,674, T>C on the plus strand (A>G on the coding strand, the complement: ARSD is on the minus strand). VCF-style: chrX-2914674-T-C. GRCh37 (hg19) VCF-style: chrX-2832715-T-C.
Other names: c.1100A>G, p.Lys367Arg (NM_009589.5); short protein forms K367R.
Identifiers: ClinVar variation 3059497 (VCV003059497.2), dbSNP rs73632953, ClinGen allele CA10337560.
Genomic context (GRCh38, chrX:2,914,674, plus strand): 5'-AATTTTAATGTCTATGCTCTTTTAAGAATCTGCAGCCTCACTGGTCCTCTCCAGGGTTTC[T>C]TGAAGGCCATAGAAGGAAGACAGCGTGTCTGCATTGTCCTGAACATTAACTTTATCGCTT-3'

ClinVar aggregate classification (germline): Likely benign (0 of 4 stars; one submission).

Conditions:
ARSD-related disorder. Also called: ARSD-related condition.

Allele frequency attached by ClinVar (database versions not stated): gnomAD exomes 0.00003; gnomAD 0.00006; ExAC 0.00104.
gnomAD v4.1: 38 of 1,026,096 alleles (0.0037%); highest among the groups gnomAD compares: Non-Finnish European, 0.00051%; no homozygotes.

Submission:

PreventionGenetics, part of Exact Sciences
Classification: Likely benign for ARSD-related condition. Last evaluated: 2020-07-31. Review status: no assertion criteria provided. Collection method: clinical testing. Allele origin: germline.
Comment: This variant is classified as likely benign based on ACMG/AMP sequence variant interpretation guidelines (Richards et al. 2015 PMID: 25741868, with internal and published modifications).